The following is an entry in ClinVar:

NM_001673.5(ASNS):c.975T>G (p.Asp325Glu)

Genes: ASNS (asparagine synthetase (glutamine-hydrolyzing); minus strand), CZ1P-ASNS (CZ1P-ASNS readthrough; minus strand). Cytogenetic location: 7q21.3.
Variant type: single nucleotide variant.
Coding change: c.975T>G on transcript NM_001673.5 (MANE Select); coding-DNA position 975, T replaced by G.
Protein change: p.Asp325Glu; replaces aspartic acid 325 with glutamic acid.
Molecular consequence: missense variant. On other transcripts: non-coding transcript variant (1).
Genome position (GRCh38, 1-based): chr7:97,856,745, A>C on the plus strand (T>G on the coding strand, the complement: ASNS is on the minus strand). VCF-style: chr7-97856745-A-C. GRCh37 (hg19) VCF-style: chr7-97486057-A-C.
Other names: c.912T>G, p.Asp304Glu (NM_001178075.2); c.726T>G, p.Asp242Glu (NM_001178076.2, NM_001178077.1); c.975T>G, p.Asp325Glu (NM_001352496.2, NM_133436.3, NM_183356.4); short protein forms D242E, D304E, D325E.
Identifiers: ClinVar variation 1954267 (VCV001954267.3), dbSNP rs2484649676, ClinGen allele CA368266931.
Genomic context (GRCh38, chr7:97,856,745, plus strand): 5'-CTTACCTACTGAAGCACGAACTGTTGTAATGTCATAAGTTTCCAAGGAAAATATGACTTC[A>C]TCCAGAGCCTGAATGCCTTCCTCAGAGTTAAAAAGGACTTCATAATGTTCACTTCCAATA-3'
Protein context (NP_001664.3, residues 315-335): FNSEEGIQAL[Asp325Glu]EVIFSLETYD

ClinVar aggregate classification (germline): Uncertain significance (1 of 4 stars; one submission).

Submission:

Labcorp Genetics (formerly Invitae), Labcorp
Classification: Uncertain significance. Last evaluated: 2022-07-04. Review status: criteria provided, single submitter. Criteria: Invitae Variant Classification Sherloc (09022015). Collection method: clinical testing. Allele origin: germline.
Comment: In summary, the available evidence is currently insufficient to determine the role of this variant in disease. Therefore, it has been classified as a Variant of Uncertain Significance. Advanced modeling of protein sequence and biophysical properties (such as structural, functional, and spatial information, amino acid conservation, physicochemical variation, residue mobility, and thermodynamic stability) performed at Invitae indicates that this missense variant is not expected to disrupt ASNS protein function. This variant has not been reported in the literature in individuals affected with ASNS-related conditions. This variant is not present in population databases (gnomAD no frequency). This sequence change replaces aspartic acid, which is acidic and polar, with glutamic acid, which is acidic and polar, at codon 325 of the ASNS protein (p.Asp325Glu).